The following is an entry in ClinVar:

ClinVar aggregate classification (germline): Uncertain significance (1 of 4 stars; one submission).

Conditions:
Autosomal dominant limb-girdle muscular dystrophy type 1G (LGMDD3). Also called: Limb-girdle muscular dystrophy, type 1G; MUSCULAR DYSTROPHY, LIMB-GIRDLE, AUTOSOMAL DOMINANT 3. Identifiers: Orphanet 55596, MedGen C1836765, MONDO:0012193, OMIM 609115.

gnomAD v4.1: 4 of 1,612,498 alleles (0.00025%); highest among the groups gnomAD compares: African/African-American, 0.0013%; no homozygotes.

Submission:

Labcorp Genetics (formerly Invitae), Labcorp
Classification: Uncertain significance for Autosomal dominant limb-girdle muscular dystrophy type 1G. Last evaluated: 2024-02-28. Review status: criteria provided, single submitter. Criteria: Invitae Variant Classification Sherloc (09022015). Collection method: clinical testing. Allele origin: germline.
Comment: This sequence change falls in intron 1 of the HNRNPDL gene. It does not directly change the encoded amino acid sequence of the HNRNPDL protein. It affects a nucleotide within the consensus splice site. This variant is present in population databases (rs776001856, gnomAD 0.007%). This variant has not been reported in the literature in individuals affected with HNRNPDL-related conditions. Variants that disrupt the consensus splice site are a relatively common cause of aberrant splicing (PMID: 17576681, 9536098). Algorithms developed to predict the effect of sequence changes on RNA splicing suggest that this variant is not likely to affect RNA splicing. In summary, the available evidence is currently insufficient to determine the role of this variant in disease. Therefore, it has been classified as a Variant of Uncertain Significance.

Literature cited by the submitters: PubMed 17576681; PubMed 9536098.

NM_031372.4(HNRNPDL):c.443+6G>T

Gene: HNRNPDL (heterogeneous nuclear ribonucleoprotein D like; minus strand). Cytogenetic location: 4q21.22.
Variant type: single nucleotide variant.
Coding change: c.443+6G>T on transcript NM_031372.4 (MANE Select); 6 bases into the intron after coding-DNA position 443, G replaced by T.
Molecular consequence: intron variant.
Genome position (GRCh38, 1-based): chr4:82,429,242, C>A on the plus strand (G>T on the coding strand, the complement: HNRNPDL is on the minus strand). VCF-style: chr4-82429242-C-A. GRCh37 (hg19) VCF-style: chr4-83350395-C-A.
Other names: c.443+6G>T (NM_001207000.1).
Identifiers: ClinVar variation 3729317 (VCV003729317.2).
Genomic context (GRCh38, chr4:82,429,242, plus strand): 5'-CACGAGGAACGAAGGGCGCGTGCGGCGCGCTGGGGGAGGGGGAGCGGGGGAAGAAGCGTG[C>A]GGTACCCGTCATCCTGCTGATTCTTGCTCGCGTTGATCTTGGATCCCTCTGCGAATTCCT-3'